The following is an entry in ClinVar:

NM_015340.4(LARS2):c.2214+13C>G

Gene: LARS2 (leucyl-tRNA synthetase 2, mitochondrial; plus strand). Cytogenetic location: 3p21.31.
Variant type: single nucleotide variant.
Coding change: c.2214+13C>G on transcript NM_015340.4 (MANE Select); 13 bases into the intron after coding-DNA position 2214, C replaced by G.
Molecular consequence: intron variant.
Genome position (GRCh38, 1-based): chr3:45,518,085, C>G. VCF-style: chr3-45518085-C-G. GRCh37 (hg19) VCF-style: chr3-45559577-C-G.
Other names: c.2214+13C>G (NM_001368263.1).
Identifiers: ClinVar variation 227490 (VCV000227490.4), dbSNP rs876657487, ClinGen allele CA10576621.

ClinVar aggregate classification (germline): Likely benign (1 of 4 stars; one submission).

Allele frequency attached by ClinVar (database versions not stated): gnomAD exomes below 0.00001; TOPMed 0.00002 and 0.00001; gnomAD 0.00003.
gnomAD v4.1: 8 of 1,603,276 alleles (0.0005%); highest among the groups gnomAD compares: African/African-American, 0.011%; no homozygotes.

Submission:

Laboratory for Molecular Medicine, Mass General Brigham Personalized Medicine
Classification: Likely benign. Last evaluated: 2015-07-20. Review status: criteria provided, single submitter. Criteria: LMM Criteria. Collection method: clinical testing. Allele origin: germline. Observed: 1 variant allele.
Comment: c.2214+13C>G in intron 18 of LARS2: This variant is not expected to have clinica l significance because it does not alter an amino acid residue and is not locate d within the splice consensus sequence.